The following is an entry in ClinVar:

NM_001378120.1(MBD5):c.1533G>T (p.Lys511Asn)

Gene: MBD5 (methyl-CpG binding domain protein 5; plus strand). Cytogenetic location: 2q23.1.
Variant type: single nucleotide variant.
Coding change: c.1533G>T on transcript NM_001378120.1 (MANE Select); coding-DNA position 1533, G replaced by T.
Protein change: p.Lys511Asn; replaces lysine 511 with asparagine.
Molecular consequence: missense variant.
Genome position (GRCh38, 1-based): chr2:148,469,476, G>T. VCF-style: chr2-148469476-G-T. GRCh37 (hg19) VCF-style: chr2-149227045-G-T.
Other names: c.1533G>T, p.Lys511Asn (NM_001438861.1, NM_001438862.1, NM_018328.5 and 7 more transcripts); short protein forms K511N.
Identifiers: ClinVar variation 5020191 (VCV005020191.1).

ClinVar aggregate classification (germline): Uncertain significance (1 of 4 stars; one submission).

Submission:

Dasa
Classification: Uncertain significance. Last evaluated: 2026-07-15. Review status: criteria provided, single submitter. Criteria: DASA Assertion Criteria. Collection method: clinical testing. Allele origin: germline.
Comment: NM_001378120.1(MBD5):c.1533G>T (p.Lys511Asn) is a missense variant that results in the substitution of lysine with asparagine. This variant is rare in population databases. Computational prediction algorithms are consistent with a benign effect. The currently available literature and clinical evidence are not sufficient to establish a definitive association between this variant and the reported condition. Therefore, this variant is classified as a variant of uncertain significance.